The following is an entry in ClinVar:

ClinVar aggregate classification (germline): Benign/Likely benign. Review status: criteria provided, multiple submitters, no conflicts (2 of 4 stars). 5 submissions from 5 submitters: Benign (3); Likely benign (1). 1 of the submissions does not count toward it. Last evaluated 2026-01-15.

Conditions:
CCDC50-related disorder. Also called: CCDC50-related condition.

Allele frequency attached by ClinVar (database versions not stated): gnomAD exomes 0.00039 and 0.00082; ExAC 0.00108; 1000 Genomes Project 30x 0.00312; 1000 Genomes Project 0.00319; TOPMed 0.00360; ESP Exome Variant Server 0.00492.
gnomAD v4.1: 1,034 of 1,613,690 alleles (0.064%); highest among the groups gnomAD compares: African/African-American, 1.1%; 5 homozygotes.

Submissions (5):

Labcorp Genetics (formerly Invitae), Labcorp
Classification: Benign. Last evaluated: 2026-01-15. Review status: criteria provided, single submitter. Criteria: Invitae Variant Classification Sherloc (09022015). Collection method: clinical testing. Allele origin: germline.

Blueprint Genetics
Classification: Likely benign. Last evaluated: 2024-07-05. Review status: criteria provided, single submitter. Criteria: ACMG Guidelines, 2015. Collection method: clinical testing. Allele origin: germline.

GeneDx
Classification: Benign. Last evaluated: 2019-06-26. Review status: criteria provided, single submitter. Criteria: GeneDx Variant Classification Process June 2021. Collection method: clinical testing. Allele origin: germline. Affected: yes.

Laboratory for Molecular Medicine, Mass General Brigham Personalized Medicine
Classification: Benign. Last evaluated: 2012-05-07. Review status: criteria provided, single submitter. Criteria: LMM Criteria. Collection method: clinical testing. Allele origin: germline. Observed: 3 variant alleles.
Comment: Ser209Leu in Exon 06 of CCDC50: This variant is not expected to have clinical si gnificance because it has been identified in 1.6% (58/3738) of African American chromosomes from a broad population by the NHLBI Exome Sequencing Project (dbSNP rs115771997).

PreventionGenetics, part of Exact Sciences
Classification: Benign for CCDC50-related condition. Last evaluated: 2019-08-01. Review status: no assertion criteria provided. Collection method: clinical testing. Allele origin: germline. Not counted in ClinVar's aggregate classification.
Comment: This variant is classified as benign based on ACMG/AMP sequence variant interpretation guidelines (Richards et al. 2015 PMID: 25741868, with internal and published modifications).

NM_178335.3(CCDC50):c.626C>T (p.Ser209Leu)

Gene: CCDC50 (coiled-coil domain containing 50; plus strand). Cytogenetic location: 3q28.
Variant type: single nucleotide variant.
Coding change: c.626C>T on transcript NM_178335.3 (MANE Select); coding-DNA position 626, C replaced by T.
Protein change: p.Ser209Leu; replaces serine 209 with leucine.
Molecular consequence: missense variant. On other transcripts: intron variant (1).
Genome position (GRCh38, 1-based): chr3:191,375,239, C>T. VCF-style: chr3-191375239-C-T. GRCh37 (hg19) VCF-style: chr3-191093028-C-T.
Other names: c.449-4920C>T (NM_174908.4); short protein forms S209L.
Identifiers: ClinVar variation 178600 (VCV000178600.17), dbSNP rs115771997, ClinGen allele CA182632.